The following is an entry in ClinVar:

ClinVar aggregate classification (germline): Likely benign. Review status: criteria provided, multiple submitters, no conflicts (2 of 4 stars). 3 submissions from 3 submitters: Likely benign (3). Last evaluated 2025-10-27.

Conditions:
Inborn genetic diseases. Identifiers: MedGen C0950123, MeSH D030342.
Very long chain acyl-CoA dehydrogenase deficiency (ACADVLD). Also called: VLCAD Deficiency; Very Long-Chain Acyl-Coenzyme A Dehydrogenase Deficiency. Identifiers: Orphanet 26793, MedGen C3887523, MONDO:0008723, OMIM 201475.

Allele frequency attached by ClinVar (database versions not stated): ExAC 0.00001; TOPMed 0.00002; gnomAD 0.00001; gnomAD exomes 0.00001.
gnomAD v4.1: 45 of 1,604,268 alleles (0.0028%); highest among the groups gnomAD compares: Non-Finnish European, 0.0035%; no homozygotes.

Submissions (3):

Labcorp Genetics (formerly Invitae), Labcorp
Classification: Likely benign for Very long chain acyl-CoA dehydrogenase deficiency. Last evaluated: 2025-10-27. Review status: criteria provided, single submitter. Criteria: Invitae Variant Classification Sherloc (09022015). Collection method: clinical testing. Allele origin: germline.

CeGaT Center for Human Genetics Tuebingen
Classification: Likely benign. Last evaluated: 2025-03-01. Review status: criteria provided, single submitter. Criteria: CeGaT Center For Human Genetics Tuebingen Variant Classification Criteria Version 2. Collection method: clinical testing. Allele origin: germline. Affected: yes. Observed: 1 variant allele.
Comment: ACADVL: BP4, BP7

Ambry Genetics
Classification: Likely benign for Inborn genetic diseases. Last evaluated: 2024-02-04. Review status: criteria provided, single submitter. Criteria: Ambry Variant Classification Scheme 2023. Collection method: clinical testing. Allele origin: germline.

NM_000018.4(ACADVL):c.54G>A (p.Gly18=)

Genes: ACADVL (acyl-CoA dehydrogenase very long chain; plus strand), DLG4 (discs large MAGUK scaffold protein 4; minus strand). Cytogenetic location: 17p13.1.
Variant type: single nucleotide variant.
Coding change: c.54G>A on transcript NM_000018.4 (MANE Select); coding-DNA position 54, G replaced by A.
Protein change: p.Gly18=; no amino-acid change (glycine 18 retained).
Molecular consequence: synonymous variant. On other transcripts: 5 prime UTR variant (2), non-coding transcript variant (1), intron variant (1).
Genome position (GRCh38, 1-based): chr17:7,220,038, G>A. VCF-style: chr17-7220038-G-A. GRCh37 (hg19) VCF-style: chr17-7123357-G-A.
Other names: c.-1189C>T (NM_001321074.1); c.54G>A, p.Gly18= (NM_001033859.3); c.-250G>A (NM_001270448.2); c.132-84G>A (NM_001270447.2).
Identifiers: ClinVar variation 474899 (VCV000474899.17), dbSNP rs759918601, ClinGen allele CA8337516.